The following is an entry in ClinVar:

ClinVar aggregate classification (germline): Uncertain significance. Review status: criteria provided, multiple submitters, no conflicts (2 of 4 stars). 2 submissions from 2 submitters: Uncertain significance (2). Last evaluated 2026-04-17.

Conditions:
Congenital disorder of deglycosylation (CDDG). Identifiers: MedGen C3808991, MONDO:0031376.

Allele frequency attached by ClinVar (database versions not stated): gnomAD exomes 0.00001; gnomAD 0.00002 and 0.00003.
gnomAD v4.1: 24 of 1,613,498 alleles (0.0015%); highest among the groups gnomAD compares: Non-Finnish European, 0.0019%; no homozygotes.

Submissions (2):

GeneDx
Classification: Uncertain significance. Last evaluated: 2026-04-17. Review status: criteria provided, single submitter. Criteria: GeneDx Variant Classification Process June 2021. Collection method: clinical testing. Allele origin: germline.
Comment: Not observed at significant frequency in large population cohorts (gnomAD); In silico analysis supports that this missense variant has a deleterious effect on protein structure/function; Has not been previously published as pathogenic or benign to our knowledge

Labcorp Genetics (formerly Invitae), Labcorp
Classification: Uncertain significance for Congenital disorder of deglycosylation. Last evaluated: 2021-10-13. Review status: criteria provided, single submitter. Criteria: Invitae Variant Classification Sherloc (09022015). Collection method: clinical testing. Allele origin: germline.
Comment: This sequence change replaces arginine with serine at codon 466 of the NGLY1 protein (p.Arg466Ser). The arginine residue is highly conserved and there is a moderate physicochemical difference between arginine and serine. This variant is not present in population databases (ExAC no frequency). This variant has not been reported in the literature in individuals affected with NGLY1-related conditions. Algorithms developed to predict the effect of missense changes on protein structure and function are either unavailable or do not agree on the potential impact of this missense change (SIFT: "Deleterious"; PolyPhen-2: "Probably Damaging"; Align-GVGD: "Class C0"). In summary, the available evidence is currently insufficient to determine the role of this variant in disease. Therefore, it has been classified as a Variant of Uncertain Significance.

NM_018297.4(NGLY1):c.1398A>T (p.Arg466Ser)

Gene: NGLY1 (N-glycanase 1; minus strand). Cytogenetic location: 3p24.2.
Variant type: single nucleotide variant.
Coding change: c.1398A>T on transcript NM_018297.4 (MANE Select); coding-DNA position 1398, A replaced by T.
Protein change: p.Arg466Ser; replaces arginine 466 with serine.
Molecular consequence: missense variant.
Genome position (GRCh38, 1-based): chr3:25,732,346, T>A on the plus strand (A>T on the coding strand, the complement: NGLY1 is on the minus strand). VCF-style: chr3-25732346-T-A. GRCh37 (hg19) VCF-style: chr3-25773837-T-A.
Other names: c.1344A>T, p.Arg448Ser (NM_001145293.2); c.1272A>T, p.Arg424Ser (NM_001145294.2); c.1398A>T, p.Arg466Ser (NM_001145295.2); c.1398A>T (NM_018297.3); short protein forms R448S, R466S, R424S.
Identifiers: ClinVar variation 1401900 (VCV001401900.5), dbSNP rs1176823602, ClinGen allele CA351898721.
Genomic context (GRCh38, chr3:25,732,346, plus strand): 5'-AAAAGGATCATCATGCTAGAATGAATTAAATACCTGTAGACCCATTTCACCTCGGGCTAC[T>A]CTCCAAGCCACTGACCCAGATATTCTTCCCCCAAGTTCTCCAGGTTTAGGGGTTTTGGGA-3'
Protein context (NP_060767.2, residues 456-476): GGRISGSVAW[Arg466Ser]VARGEMGLQR